The following is an entry in ClinVar:

ClinVar aggregate classification (germline): Uncertain significance (1 of 4 stars; one submission).

Conditions:
Emery-Dreifuss muscular dystrophy 2, autosomal dominant (EDMD2). Also called: Benign scapuloperoneal muscular dystrophy with cardiomyopathy; LMNA-Related Emery-Dreifuss Muscular Dystrophy, Autosomal; HAUPTMANN-THANNHAUSER MUSCULAR DYSTROPHY; Limb-girdle muscular dystrophy, type 1B; Muscular dystrophy, proximal, type 1B; SCAPULOILIOPERONEAL ATROPHY WITH CARDIOPATHY. Identifiers: Orphanet 261, Orphanet 264, MedGen C0410190, MONDO:0021569, OMIM 181350.

Submission:

Neuberg Centre For Genomic Medicine, NCGM
Classification: Uncertain significance for Emery-Dreifuss muscular dystrophy 2, autosomal dominant. Last evaluated: 2023-05-20. Review status: criteria provided, single submitter. Criteria: ACMG Guidelines, 2015. Collection method: clinical testing. Allele origin: germline. Inheritance: Autosomal dominant inheritance. Affected: yes.
Comment: The missense variant c.7147A>G (p.Thr2383Ala) in the SYNE2 gene has not been reported previously as a pathogenic variant nor as a benign variant, to our knowledge. The variant is absent in the gnomAD Exomes. The amino acid Threonine at position 2383 is changed to a Alanine changing protein sequence and it might alter its composition and physico- chemical properties. Computational evidence (Polyphen, SIFT and MutationTaster) predicts conflicting evidence on protein structure and function for this variant. The amino acid change p.Thr2383Ala in SYNE2 is predicted as conserved by PhyloP across 100 vertebrates. For these reasons, this variant has been classified as Uncertain Significance.

NM_182914.3(SYNE2):c.7147A>G (p.Thr2383Ala)

Gene: SYNE2 (spectrin repeat containing nuclear envelope protein 2; plus strand). Cytogenetic location: 14q23.2.
Variant type: single nucleotide variant.
Coding change: c.7147A>G on transcript NM_182914.3 (MANE Select); coding-DNA position 7147, A replaced by G.
Protein change: p.Thr2383Ala; replaces threonine 2383 with alanine.
Molecular consequence: missense variant.
Genome position (GRCh38, 1-based): chr14:64,031,283, A>G. VCF-style: chr14-64031283-A-G. GRCh37 (hg19) VCF-style: chr14-64498001-A-G.
Other names: c.7147A>G, p.Thr2383Ala (NM_015180.6); short protein forms T2383A.
Identifiers: ClinVar variation 3341420 (VCV003341420.1).